The following is an entry in ClinVar:

ClinVar aggregate classification (germline): Uncertain significance. Review status: criteria provided, multiple submitters, no conflicts (2 of 4 stars). 2 submissions from 2 submitters: Uncertain significance (2). Last evaluated 2024-06-07.

Conditions:
Inborn genetic diseases. Identifiers: MedGen C0950123, MeSH D030342.

Allele frequency attached by ClinVar (database versions not stated): gnomAD 0.00001 and 0.00002; gnomAD exomes 0.00003 and 0.00005; TOPMed 0.00003; ExAC 0.00008.
gnomAD v4.1: 48 of 1,611,918 alleles (0.003%); highest among the groups gnomAD compares: South Asian, 0.019%; no homozygotes.

Submissions (2):

Ambry Genetics
Classification: Uncertain significance for Inborn genetic diseases. Last evaluated: 2024-06-07. Review status: criteria provided, single submitter. Criteria: Ambry Variant Classification Scheme 2023. Collection method: clinical testing. Allele origin: germline.

Labcorp Genetics (formerly Invitae), Labcorp
Classification: Uncertain significance. Last evaluated: 2022-09-01. Review status: criteria provided, single submitter. Criteria: Invitae Variant Classification Sherloc (09022015). Collection method: clinical testing. Allele origin: germline.
Comment: This sequence change replaces arginine, which is basic and polar, with cysteine, which is neutral and slightly polar, at codon 562 of the SKIV2L protein (p.Arg562Cys). This variant is present in population databases (rs777425724, gnomAD 0.03%). This variant has not been reported in the literature in individuals affected with SKIV2L-related conditions. ClinVar contains an entry for this variant (Variation ID: 1427358). Algorithms developed to predict the effect of missense changes on protein structure and function are either unavailable or do not agree on the potential impact of this missense change (SIFT: "Deleterious"; PolyPhen-2: "Benign"; Align-GVGD: "Class C0"). In summary, the available evidence is currently insufficient to determine the role of this variant in disease. Therefore, it has been classified as a Variant of Uncertain Significance.

NM_006929.5(SKIC2):c.1684C>T (p.Arg562Cys)

Gene: SKIC2 (SKI2 subunit of superkiller complex; plus strand). Cytogenetic location: 6p21.33.
Variant type: single nucleotide variant.
Coding change: c.1684C>T on transcript NM_006929.5 (MANE Select); coding-DNA position 1684, C replaced by T.
Protein change: p.Arg562Cys; replaces arginine 562 with cysteine.
Molecular consequence: missense variant.
Genome position (GRCh38, 1-based): chr6:31,963,949, C>T. VCF-style: chr6-31963949-C-T. GRCh37 (hg19) VCF-style: chr6-31931726-C-T.
Other names: c.1684C>T (NM_006929.4); short protein forms R562C.
Identifiers: ClinVar variation 1427358 (VCV001427358.5), dbSNP rs777425724, ClinGen allele CA3729556.